The following is an entry in ClinVar:

ClinVar aggregate classification (germline): Uncertain significance (1 of 4 stars; one submission).

Conditions:
Hereditary cancer-predisposing syndrome. Also called: Hereditary Cancer Syndrome; Tumor predisposition; Hereditary neoplastic syndrome; Neoplastic Syndromes, Hereditary. Identifiers: Orphanet 140162, MedGen C0027672, MeSH D009386, MONDO:0015356.
Cardiovascular phenotype. Identifiers: MedGen CN230736.

Submission:

Ambry Genetics
Classification: Uncertain significance for Cardiovascular phenotype; Hereditary cancer-predisposing syndrome. Last evaluated: 2024-10-19. Review status: criteria provided, single submitter. Criteria: Ambry Variant Classification Scheme 2023. Collection method: clinical testing. Allele origin: germline.
Comment: The p.N1840H variant (also known as c.5518A>C), located in coding exon 37 of the NF1 gene, results from an A to C substitution at nucleotide position 5518. The asparagine at codon 1840 is replaced by histidine, an amino acid with similar properties. This amino acid position is conserved. In addition, this alteration is predicted to be deleterious by in silico analysis. Based on the available evidence, the clinical significance of this variant remains unclear.

NM_001042492.3(NF1):c.5581A>C (p.Asn1861His)

Gene: NF1 (neurofibromin 1; plus strand). Cytogenetic location: 17q11.2.
Variant type: single nucleotide variant.
Coding change: c.5581A>C on transcript NM_001042492.3 (MANE Select); coding-DNA position 5581, A replaced by C.
Protein change: p.Asn1861His; replaces asparagine 1861 with histidine.
Molecular consequence: missense variant.
Genome position (GRCh38, 1-based): chr17:31,327,811, A>C. VCF-style: chr17-31327811-A-C. GRCh37 (hg19) VCF-style: chr17-29654829-A-C.
Other names: c.5518A>C, p.Asn1840His (NM_000267.4); short protein forms N1840H, N1861H.
Identifiers: ClinVar variation 3404810 (VCV003404810.1).